The following is an entry in ClinVar:

ClinVar aggregate classification (germline): Uncertain significance (1 of 4 stars; one submission).

Conditions:
Emery-Dreifuss muscular dystrophy (EDMD). Also called: Scapuloperoneal syndrome, X-linked (formerly); Humeroperoneal neuromuscular disease, (formerly). Identifiers: Orphanet 261, MedGen C0410189, MONDO:0016830.

Allele frequency attached by ClinVar (database versions not stated): gnomAD 0.00001; gnomAD exomes 0.00001; ExAC 0.00002; TOPMed 0.00003.
gnomAD v4.1: 14 of 1,614,140 alleles (0.00087%); highest among the groups gnomAD compares: Non-Finnish European, 0.0012%; no homozygotes.

Submission:

Labcorp Genetics (formerly Invitae), Labcorp
Classification: Uncertain significance for Emery-Dreifuss muscular dystrophy. Last evaluated: 2025-05-15. Review status: criteria provided, single submitter. Criteria: Invitae Variant Classification Sherloc (09022015). Collection method: clinical testing. Allele origin: germline.
Comment: This sequence change replaces glycine, which is neutral and non-polar, with valine, which is neutral and non-polar, at codon 545 of the SUN1 protein (p.Gly545Val). This variant is present in population databases (rs751586546, gnomAD 0.002%). This variant has not been reported in the literature in individuals affected with SUN1-related conditions. ClinVar contains an entry for this variant (Variation ID: 566145). An algorithm developed to predict the effect of missense changes on protein structure and function (PolyPhen-2) suggests that this variant is likely to be tolerated. In summary, the available evidence is currently insufficient to determine the role of this variant in disease. Therefore, it has been classified as a Variant of Uncertain Significance.

NM_001130965.3(SUN1):c.1634G>T (p.Gly545Val)

Gene: SUN1 (Sad1 and UNC84 domain containing 1; plus strand). Cytogenetic location: 7p22.3.
Variant type: single nucleotide variant.
Coding change: c.1634G>T on transcript NM_001130965.3 (MANE Select); coding-DNA position 1634, G replaced by T.
Protein change: p.Gly545Val; replaces glycine 545 with valine.
Molecular consequence: missense variant. On other transcripts: non-coding transcript variant (3).
Genome position (GRCh38, 1-based): chr7:860,237, G>T. VCF-style: chr7-860237-G-T. GRCh37 (hg19) VCF-style: chr7-899874-G-T.
Other names: c.1325G>T, p.Gly442Val (NM_001171944.2); c.1634G>T, p.Gly545Val (NM_001367633.1, NM_001367634.1, NM_001367653.1); c.1283G>T, p.Gly428Val (NM_001367635.1); c.1874G>T, p.Gly625Val (NM_001367636.1, NM_001367691.1); c.1742G>T, p.Gly581Val (NM_001367638.1); c.1175G>T, p.Gly392Val (NM_001367639.1); c.1814G>T, p.Gly605Val (NM_001367640.1); c.1916G>T, p.Gly639Val (NM_001367641.1, NM_001367682.1); and 43 more; short protein forms G545V, G392V, G495V, G512V, G522V, G523V, G549V, G561V.
Identifiers: ClinVar variation 566145 (VCV000566145.8), dbSNP rs751586546, ClinGen allele CA4112316.